The following is an entry in ClinVar:

NM_015466.4(PTPN23):c.1970C>T (p.Thr657Ile)

Gene: PTPN23 (protein tyrosine phosphatase non-receptor type 23; plus strand). Cytogenetic location: 3p21.31.
Variant type: single nucleotide variant.
Coding change: c.1970C>T on transcript NM_015466.4 (MANE Select); coding-DNA position 1970, C replaced by T.
Protein change: p.Thr657Ile; replaces threonine 657 with isoleucine.
Molecular consequence: missense variant.
Genome position (GRCh38, 1-based): chr3:47,409,675, C>T. VCF-style: chr3-47409675-C-T. GRCh37 (hg19) VCF-style: chr3-47451165-C-T.
Other names: c.1592C>T, p.Thr531Ile (NM_001304482.2); short protein forms T531I, T657I.
Identifiers: ClinVar variation 1444572 (VCV001444572.5), dbSNP rs963046582, ClinGen allele CA352556592.

ClinVar aggregate classification (germline): Uncertain significance (1 of 4 stars; one submission).

gnomAD v4.1: 1 of 1,611,380 alleles (0.000062%); no homozygotes.

Submission:

Labcorp Genetics (formerly Invitae), Labcorp
Classification: Uncertain significance. Last evaluated: 2022-07-26. Review status: criteria provided, single submitter. Criteria: Invitae Variant Classification Sherloc (09022015). Collection method: clinical testing. Allele origin: germline.
Comment: This sequence change replaces threonine, which is neutral and polar, with isoleucine, which is neutral and non-polar, at codon 657 of the PTPN23 protein (p.Thr657Ile). This variant is not present in population databases (gnomAD no frequency). This variant has not been reported in the literature in individuals affected with PTPN23-related conditions. ClinVar contains an entry for this variant (Variation ID: 1444572). Algorithms developed to predict the effect of missense changes on protein structure and function are either unavailable or do not agree on the potential impact of this missense change (SIFT: "Tolerated"; PolyPhen-2: "Not Available"; Align-GVGD: "Class C0"). In summary, the available evidence is currently insufficient to determine the role of this variant in disease. Therefore, it has been classified as a Variant of Uncertain Significance.